The following is an entry in ClinVar:

NM_001793.6(CDH3):c.2315C>T (p.Pro772Leu)

Gene: CDH3 (cadherin 3; plus strand). Cytogenetic location: 16q22.1.
Variant type: single nucleotide variant.
Coding change: c.2315C>T on transcript NM_001793.6 (MANE Select); coding-DNA position 2315, C replaced by T.
Protein change: p.Pro772Leu; replaces proline 772 with leucine.
Molecular consequence: missense variant. On other transcripts: 3 prime UTR variant (1).
Genome position (GRCh38, 1-based): chr16:68,698,225, C>T. VCF-style: chr16-68698225-C-T. GRCh37 (hg19) VCF-style: chr16-68732128-C-T.
Other names: c.2315C>T (NM_001793.4); c.*58C>T (NM_001317195.3); c.2150C>T, p.Pro717Leu (NM_001317196.2); short protein forms P717L, P772L.
Identifiers: ClinVar variation 2197678 (VCV002197678.4), dbSNP rs774769161, ClinGen allele CA8129699.
Genomic context (GRCh38, chr16:68,698,225, plus strand): 5'-TAACTACCTGTTCTCTGTTGCCGCAGAACCTGAAGGCGGCTAACACAGACCCCACAGCCC[C>T]GCCCTACGACACCCTCTTGGTGTTCGACTATGAGGGCAGCGGCTCCGACGCCGCGTCCCT-3'
Protein context (NP_001784.2, residues 762-782): LKAANTDPTA[Pro772Leu]PYDTLLVFDY

ClinVar aggregate classification (germline): Uncertain significance. Review status: criteria provided, multiple submitters, no conflicts (2 of 4 stars). 4 submissions from 4 submitters: Uncertain significance (3). 1 of the submissions does not count toward it. Last evaluated 2024-09-16.

Conditions:
Inborn genetic diseases. Identifiers: MedGen C0950123, MeSH D030342.
Retinal dystrophy. Also called: Inherited retinal dystrophy. Identifiers: Orphanet 71862, MedGen C0854723, MeSH D058499, MONDO:0019118, HP:0000556.

Allele frequency attached by ClinVar (database versions not stated): gnomAD exomes 0.00004; TOPMed 0.00005; gnomAD 0.00008; ExAC 0.00012.
gnomAD v4.1: 68 of 1,614,226 alleles (0.0042%); highest among the groups gnomAD compares: East Asian, 0.053%; no homozygotes.

Submissions (4):

Blueprint Genetics
Classification: Uncertain significance. Last evaluated: 2024-09-16. Review status: criteria provided, single submitter. Criteria: ACMG Guidelines, 2015. Collection method: clinical testing. Allele origin: germline.

Labcorp Genetics (formerly Invitae), Labcorp
Classification: Uncertain significance. Last evaluated: 2022-07-23. Review status: criteria provided, single submitter. Criteria: Invitae Variant Classification Sherloc (09022015). Collection method: clinical testing. Allele origin: germline.
Comment: This sequence change replaces proline, which is neutral and non-polar, with leucine, which is neutral and non-polar, at codon 772 of the CDH3 protein (p.Pro772Leu). This variant is present in population databases (rs774769161, gnomAD 0.1%). This variant has not been reported in the literature in individuals affected with CDH3-related conditions. Algorithms developed to predict the effect of missense changes on protein structure and function are either unavailable or do not agree on the potential impact of this missense change (SIFT: "Not Available"; PolyPhen-2: "Probably Damaging"; Align-GVGD: "Not Available"). In summary, the available evidence is currently insufficient to determine the role of this variant in disease. Therefore, it has been classified as a Variant of Uncertain Significance.

Ambry Genetics
Classification: Uncertain significance for Inborn genetic diseases. Last evaluated: 2021-06-18. Review status: criteria provided, single submitter. Criteria: Ambry Variant Classification Scheme 2023. Collection method: clinical testing. Allele origin: germline.

Institute of Human Genetics, Univ. Regensburg, Univ. Regensburg
Classification: Uncertain significance for Retinal dystrophy. Last evaluated: 2022-01-01. Review status: no assertion criteria provided. Criteria: ACMG Guidelines, 2015. Collection method: clinical testing. Allele origin: germline. Affected: yes. Not counted in ClinVar's aggregate classification.